The following is an entry in ClinVar:

ClinVar aggregate classification (germline): Uncertain significance. Review status: criteria provided, multiple submitters, no conflicts (2 of 4 stars). 6 submissions from 6 submitters: Uncertain significance (6). Last evaluated 2026-02-11.

Conditions:
Immunodeficiency 23 (IMD23). Also called: IMMUNODEFICIENCY WITH HYPER IgE AND COGNITIVE IMPAIRMENT; IMMUNODEFICIENCY-VASCULITIS-MYOCLONUS SYNDROME. Identifiers: Orphanet 443811, MedGen C4014371, MONDO:0014353, OMIM 615816.

Allele frequency attached by ClinVar (database versions not stated): ExAC 0.00007; gnomAD exomes 0.00007 and 0.00008; gnomAD 0.00008 and 0.00011; TOPMed 0.00013.
gnomAD v4.1: 129 of 1,614,132 alleles (0.008%); highest among the groups gnomAD compares: Middle Eastern, 0.63%; no homozygotes.

Submissions (6):

Women's Health and Genetics/Laboratory Corporation of America, LabCorp
Classification: Uncertain significance. Last evaluated: 2026-02-11. Review status: criteria provided, single submitter. Criteria: LabCorp Variant Classification Summary - May 2015. Collection method: clinical testing. Allele origin: germline.
Comment: Variant summary: PGM3 c.122A>G (p.His41Arg) results in a non-conservative amino acid change in the encoded protein sequence. Algorithms developed to predict the effect of missense changes on protein structure and function are either unavailable or do not agree on the potential impact of this missense change. The variant allele was found at a frequency of 7.6e-05 in 251480 control chromosomes. This frequency is not significantly higher than estimated for disease-causing variants in PGM3, allowing no conclusion about variant significance. To our knowledge, no occurrence of c.122A>G in individuals affected with PGM3-related conditions and no experimental evidence demonstrating its impact on protein function have been reported. ClinVar contains an entry for this variant (Variation ID: 841584). Based on the evidence outlined above, the variant was classified as uncertain significance.

Blueprint Genetics
Classification: Uncertain significance. Last evaluated: 2024-09-02. Review status: criteria provided, single submitter. Criteria: ACMG Guidelines, 2015. Collection method: clinical testing. Allele origin: germline.

Fulgent Genetics
Classification: Uncertain significance for Immunodeficiency 23. Last evaluated: 2024-03-22. Review status: criteria provided, single submitter. Criteria: ACMG Guidelines, 2015. Collection method: clinical testing. Allele origin: germline.

Labcorp Genetics (formerly Invitae), Labcorp
Classification: Uncertain significance for Immunodeficiency 23. Last evaluated: 2022-10-05. Review status: criteria provided, single submitter. Criteria: Invitae Variant Classification Sherloc (09022015). Collection method: clinical testing. Allele origin: germline.
Comment: This sequence change replaces histidine, which is basic and polar, with arginine, which is basic and polar, at codon 41 of the PGM3 protein (p.His41Arg). This variant is present in population databases (rs142328170, gnomAD 0.02%). This variant has not been reported in the literature in individuals affected with PGM3-related conditions. ClinVar contains an entry for this variant (Variation ID: 841584). Algorithms developed to predict the effect of missense changes on protein structure and function are either unavailable or do not agree on the potential impact of this missense change (SIFT: "Tolerated"; PolyPhen-2: "Probably Damaging"; Align-GVGD: "Class C0"). In summary, the available evidence is currently insufficient to determine the role of this variant in disease. Therefore, it has been classified as a Variant of Uncertain Significance.

Baylor Genetics
Classification: Uncertain significance for Immunodeficiency 23. Last evaluated: 2019-12-11. Review status: criteria provided, single submitter. Criteria: ACMG Guidelines, 2015. Collection method: clinical testing. Allele origin: unknown. Affected: yes.
Comment: This variant was determined to be of uncertain significance according to ACMG Guidelines, 2015 [PMID:25741868].

Breakthrough Genomics
Classification: Uncertain significance. Review status: criteria provided, single submitter. Criteria: ACMG Guidelines, 2015. Collection method: not provided. Allele origin: germline. Inheritance: Autosomal recessive inheritance. Affected: yes.

NM_015599.3(PGM3):c.38A>G (p.His13Arg)

Gene: PGM3 (phosphoglucomutase 3; minus strand). Cytogenetic location: 6q14.1.
Variant type: single nucleotide variant.
Coding change: c.38A>G on transcript NM_015599.3 (MANE Select); coding-DNA position 38, A replaced by G.
Protein change: p.His13Arg; replaces histidine 13 with arginine.
Molecular consequence: missense variant. On other transcripts: non-coding transcript variant (1), intron variant (1).
Genome position (GRCh38, 1-based): chr6:83,190,975, T>C on the plus strand (A>G on the coding strand, the complement: PGM3 is on the minus strand). VCF-style: chr6-83190975-T-C. GRCh37 (hg19) VCF-style: chr6-83900694-T-C.
Other names: c.122A>G, p.His41Arg (NM_001199917.2, NM_001367287.1); c.38A>G, p.His13Arg (NM_001199919.2, NM_001367286.1); c.-39-2177A>G (NM_001199918.2); short protein forms H13R, H41R.
Identifiers: ClinVar variation 841584 (VCV000841584.7), dbSNP rs142328170, ClinGen allele CA3906906.